The following is an entry in ClinVar:

NM_001197104.2(KMT2A):c.3991C>T (p.Gln1331Ter)

Gene: KMT2A (lysine methyltransferase 2A; plus strand). Cytogenetic location: 11q23.3.
Variant type: single nucleotide variant.
Coding change: c.3991C>T on transcript NM_001197104.2 (MANE Select); coding-DNA position 3991, C replaced by T.
Protein change: p.Gln1331Ter; replaces glutamine 1331 with a stop codon.
Molecular consequence: nonsense.
Genome position (GRCh38, 1-based): chr11:118,482,071, C>T. VCF-style: chr11-118482071-C-T. GRCh37 (hg19) VCF-style: chr11-118352786-C-T.
Other names: c.3991C>T, p.Gln1331Ter (NM_005933.4); short protein forms Q1331*.
Identifiers: ClinVar variation 280349 (VCV000280349.3), dbSNP rs886041571, ClinGen allele CA10603243.

ClinVar aggregate classification (germline): Pathogenic (1 of 4 stars; one submission).

Submission:

GeneDx
Classification: Pathogenic. Last evaluated: 2024-02-22. Review status: criteria provided, single submitter. Criteria: GeneDx Variant Classification Process June 2021. Collection method: clinical testing. Allele origin: germline. Affected: yes.
Comment: Nonsense variant predicted to result in protein truncation or nonsense mediated decay in a gene for which loss of function is a known mechanism of disease; Identified in an individual with Wiedemann-Steiner syndrome in published literature (PMID: 33783954); Not observed at significant frequency in large population cohorts (gnomAD); This variant is associated with the following publications: (PMID: 33783954)